The following is an entry in ClinVar:

NM_000297.4(PKD2):c.356G>A (p.Arg119His)

Genes: PKD2 (polycystin 2, transient receptor potential cation channel; plus strand), LOC129992813 (ATAC-STARR-seq lymphoblastoid silent region 15559; plus strand). Cytogenetic location: 4q22.1.
Variant type: single nucleotide variant.
Coding change: c.356G>A on transcript NM_000297.4 (MANE Select); coding-DNA position 356, G replaced by A.
Protein change: p.Arg119His; replaces arginine 119 with histidine.
Molecular consequence: missense variant. On other transcripts: non-coding transcript variant (1).
Genome position (GRCh38, 1-based): chr4:88,008,089, G>A. VCF-style: chr4-88008089-G-A. GRCh37 (hg19) VCF-style: chr4-88929241-G-A.
Other names: short protein forms R119H.
Identifiers: ClinVar variation 350014 (VCV000350014.17), dbSNP rs748654180, ClinGen allele CA10621885.
Genomic context (GRCh38, chr4:88,008,089, plus strand): 5'-AGGAGGAGGAGGTGGAAGGGGAAGAAGGCGGAATGGTGGTGGAGATGGACGTAGAGTGGC[G>A]CCCGGGCAGCCGGAGGTCGGCCGCCTCCTCGGCCGTGAGCTCCGTGGGCGCGCGGAGCCG-3'
Protein context (NP_000288.1, residues 109-129): GMVVEMDVEW[Arg119His]PGSRRSAASS

ClinVar aggregate classification (germline): Conflicting classifications of pathogenicity. Review status: criteria provided, conflicting classifications (1 of 4 stars). 6 submissions from 6 submitters: Uncertain significance (2); Likely benign (3). 1 of the submissions does not count toward it. Last evaluated 2025-12-24.

Conditions:
Polycystic kidney disease 2 (PKD2). Also called: POLYCYSTIC KIDNEY DISEASE 2 WITH OR WITHOUT POLYCYSTIC LIVER DISEASE; Polycystic Kidney Disease 2, Autosomal Dominant; POLYCYSTIC KIDNEY DISEASE, ADULT, TYPE II. Identifiers: MedGen C2751306, MONDO:0013131, OMIM 613095.
Autosomal dominant polycystic kidney disease. Identifiers: Orphanet 730, MedGen C0085413, MONDO:0004691.
Polycystic kidney disease. Also called: Polycystic kidney dysplasia; Kidney, Polycystic. Identifiers: MedGen C0022680, MeSH D007690, MONDO:0020642, HP:0000113.

Allele frequency attached by ClinVar (database versions not stated): gnomAD 0.00010; TOPMed 0.00014.
gnomAD v4.1: 102 of 1,517,964 alleles (0.0067%); highest among the groups gnomAD compares: Non-Finnish European, 0.0084%; 1 homozygote.

Submissions (6):

Labcorp Genetics (formerly Invitae), Labcorp
Classification: Likely benign for Autosomal dominant polycystic kidney disease. Last evaluated: 2025-12-24. Review status: criteria provided, single submitter. Criteria: Invitae Variant Classification Sherloc (09022015). Collection method: clinical testing. Allele origin: germline.

Blueprint Genetics
Classification: Likely benign. Last evaluated: 2024-10-08. Review status: criteria provided, single submitter. Criteria: ACMG Guidelines, 2015. Collection method: clinical testing. Allele origin: germline.

GeneDx
Classification: Likely benign. Last evaluated: 2023-10-09. Review status: criteria provided, single submitter. Criteria: GeneDx Variant Classification Process June 2021. Collection method: clinical testing. Allele origin: germline. Affected: yes.
Comment: See Variant Classification Assertion Criteria.

Fulgent Genetics
Classification: Uncertain significance for Polycystic kidney disease 2. Last evaluated: 2021-12-07. Review status: criteria provided, single submitter. Criteria: ACMG Guidelines, 2015. Collection method: clinical testing. Allele origin: unknown.

Illumina Laboratory Services, Illumina
Classification: Uncertain significance for Polycystic kidney disease 2. Last evaluated: 2018-01-13. Review status: criteria provided, single submitter. Criteria: ICSL Variant Classification Criteria 13 December 2019. Collection method: clinical testing. Allele origin: germline.

Department of Pathology and Laboratory Medicine, Sinai Health System
Classification: Likely benign for Polycystic Kidney disease. Review status: no assertion criteria provided. Collection method: clinical testing. Allele origin: unknown. Affected: yes. Observed: 1 variant allele. Study: The Canadian Open Genetics Repository (COGR). Not counted in ClinVar's aggregate classification.
Comment: The PKD2 p.Arg119His variant was identified in 2 of 460 proband chromosomes (frequency: 0.004) from individuals or families with ADPKD (Rossetti 2012).The variant was also identified ADPKD Mutation Database (classified as likely neutral). The variant was not identified in dbSNP, Clinvitae, the ClinVar, GeneInsight COGR and PKD2-LOVD databases. The p.Arg119 residue is conserved in mammals and four out of five computational analyses (PolyPhen-2, SIFT, AlignGVGD, BLOSUM, MutationTaster) do not suggest a high likelihood of impact to the protein. The variant occurs outside of the splicing consensus sequence and in silico or computational prediction software programs (SpliceSiteFinder, MaxEntScan, NNSPLICE, GeneSplicer, HumanSpliceFinder) do not predict a difference in splicing. In summary, based on the above information, the clinical significance of this variant cannot be determined with certainty at this time although we would lean towards a more benign role for this variant. This variant is classified as likely benign.